The following is an entry in ClinVar:

ClinVar aggregate classification (germline): Uncertain significance (1 of 4 stars; one submission).

gnomAD v4.1: 3 of 1,191,778 alleles (0.00025%); highest among the groups gnomAD compares: Non-Finnish European, 0.00036%; no homozygotes.

Submission:

GeneDx
Classification: Uncertain significance. Last evaluated: 2025-05-20. Review status: criteria provided, single submitter. Criteria: GeneDx Variant Classification Process June 2021. Collection method: clinical testing. Allele origin: germline. Affected: yes.
Comment: Not observed at significant frequency in large population cohorts (gnomAD); In silico analysis suggests that this missense variant does not alter protein structure/function; Has not been previously published as pathogenic or benign to our knowledge

NM_001009944.3(PKD1):c.550C>T (p.Leu184Phe)

Gene: PKD1 (polycystin 1, transient receptor potential channel interacting; minus strand). Cytogenetic location: 16p13.3.
Variant type: single nucleotide variant.
Coding change: c.550C>T on transcript NM_001009944.3 (MANE Select); coding-DNA position 550, C replaced by T.
Protein change: p.Leu184Phe; replaces leucine 184 with phenylalanine.
Molecular consequence: missense variant.
Genome position (GRCh38, 1-based): chr16:2,118,442, G>A on the plus strand (C>T on the coding strand, the complement: PKD1 is on the minus strand). VCF-style: chr16-2118442-G-A. GRCh37 (hg19) VCF-style: chr16-2168443-G-A.
Other names: c.550C>T, p.Leu184Phe (NM_000296.4); short protein forms L184F.
Identifiers: ClinVar variation 4530910 (VCV004530910.1).
Genomic context (GRCh38, chr16:2,118,442, plus strand): 5'-GGCCTTCGTGGGCAGCTGAAAAGGACACTGCTGCCACGGTGCCTGAGCTGTTGTCAGGGA[G>A]GCAGGCGACATACTCCTCACCTAGAAGAGGCAGCCACTGGACCCCGGGTTCTGCTCCTCC-3'
Protein context (NP_001009944.3, residues 174-194): SGCGEEYVAC[Leu184Phe]PDNSSGTVAA